The following is an entry in ClinVar:

NM_001114753.3(ENG):c.754A>T (p.Ile252Phe)

Gene: ENG (endoglin; minus strand). Cytogenetic location: 9q34.11.
Variant type: single nucleotide variant.
Coding change: c.754A>T on transcript NM_001114753.3 (MANE Select); coding-DNA position 754, A replaced by T.
Protein change: p.Ile252Phe; replaces isoleucine 252 with phenylalanine.
Molecular consequence: missense variant.
Genome position (GRCh38, 1-based): chr9:127,825,293, T>A on the plus strand (A>T on the coding strand, the complement: ENG is on the minus strand). VCF-style: chr9-127825293-T-A. GRCh37 (hg19) VCF-style: chr9-130587572-T-A.
Other names: c.754A>T, p.Ile252Phe (NM_001406715.1, NM_000118.4); c.754A>T (NM_001114753.1); c.208A>T, p.Ile70Phe (NM_001278138.2); short protein forms I252F, I70F.
Identifiers: ClinVar variation 407126 (VCV000407126.11), dbSNP rs377377549, ClinGen allele CA5252993.

ClinVar aggregate classification (germline): Uncertain significance. Review status: criteria provided, multiple submitters, no conflicts (2 of 4 stars). 2 submissions from 2 submitters: Uncertain significance (2). Last evaluated 2026-01-14.

Conditions:
Cardiovascular phenotype. Identifiers: MedGen CN230736.
Hereditary hemorrhagic telangiectasia (HHT). Also called: ORW DISEASE; Osler Weber Rendu syndrome; OSLER-RENDU-WEBER DISEASE; Osler hemorrhagic telangiectasia syndrome. Identifiers: Orphanet 774, MedGen C0039445, MONDO:0019180. Disease mechanism: loss of function.

Allele frequency attached by ClinVar (database versions not stated): gnomAD 0.00001; gnomAD exomes 0.00001; ESP Exome Variant Server 0.00008; ExAC 0.00001.
gnomAD v4.1: 2 of 1,606,278 alleles (0.00012%); highest among the groups gnomAD compares: Non-Finnish European, 0.00017%; no homozygotes.

Submissions (2):

Ambry Genetics
Classification: Uncertain significance for Cardiovascular phenotype. Last evaluated: 2026-01-14. Review status: criteria provided, single submitter. Criteria: Ambry Variant Classification Scheme 2023. Collection method: clinical testing. Allele origin: germline.
Comment: The p.I252F variant (also known as c.754A>T), located in coding exon 6 of the ENG gene, results from an A to T substitution at nucleotide position 754. The isoleucine at codon 252 is replaced by phenylalanine, an amino acid with highly similar properties. This amino acid position is conserved. In addition, this alteration is predicted to be tolerated by in silico analysis. Based on the available evidence, the clinical significance of this variant remains unclear.

Labcorp Genetics (formerly Invitae), Labcorp
Classification: Uncertain significance for Hereditary hemorrhagic telangiectasia. Last evaluated: 2016-12-06. Review status: criteria provided, single submitter. Criteria: Invitae Variant Classification Sherloc (09022015). Collection method: clinical testing. Allele origin: germline.
Comment: Algorithms developed to predict the effect of sequence changes on RNA splicing suggest that this variant may alter RNA splicing, but this prediction has not been confirmed by published transcriptional studies. The frequency data for this variant (rs377377549) in the population databases is unreliable, as metrics indicate poor quality at this position in the ExAC database. This variant has not been reported in the literature in individuals with a ENG-related disease. In summary, this variant is a rare missense change with uncertain impact on protein function. There is no indication that it causes disease, but the available evidence is currently insufficient to prove that conclusively. Therefore, it has been classified as a Variant of Uncertain Significance. Algorithms developed to predict the effect of missense changes on protein structure and function do not agree on the potential impact of this missense change (SIFT: "Deleterious"; PolyPhen-2: "Probably Damaging"; Align-GVGD: "Class C0"). This sequence change replaces isoleucine with phenylalanine at codon 252 of the ENG protein (p.Ile252Phe). The isoleucine residue is moderately conserved and there is a small physicochemical difference between isoleucine and phenylalanine.